The following is an entry in ClinVar:

ClinVar aggregate classification (germline): Uncertain significance (1 of 4 stars; one submission).

Conditions:
Cardiovascular phenotype. Identifiers: MedGen CN230736.

gnomAD v4.1: 2 of 1,614,172 alleles (0.00012%); highest among the groups gnomAD compares: Non-Finnish European, 0.000085%; no homozygotes.

Submission:

Ambry Genetics
Classification: Uncertain significance for Cardiovascular phenotype. Last evaluated: 2026-07-02. Review status: criteria provided, single submitter. Criteria: Ambry Variant Classification Scheme 2023. Collection method: clinical testing. Allele origin: germline.
Comment: The p.E339G variant (also known as c.1016A>G), located in coding exon 9 of the APOB gene, results from an A to G substitution at nucleotide position 1016. The glutamic acid at codon 339 is replaced by glycine, an amino acid with similar properties. This amino acid position is conserved. In addition, this alteration is predicted to be tolerated by in silico analysis. Based on the available evidence, the clinical significance of this variant remains unclear.

NM_000384.3(APOB):c.1016A>G (p.Glu339Gly)

Gene: APOB (apolipoprotein B; minus strand). Cytogenetic location: 2p24.1.
Variant type: single nucleotide variant.
Coding change: c.1016A>G on transcript NM_000384.3 (MANE Select); coding-DNA position 1016, A replaced by G.
Protein change: p.Glu339Gly; replaces glutamic acid 339 with glycine.
Molecular consequence: missense variant.
Genome position (GRCh38, 1-based): chr2:21,033,407, T>C on the plus strand (A>G on the coding strand, the complement: APOB is on the minus strand). VCF-style: chr2-21033407-T-C. GRCh37 (hg19) VCF-style: chr2-21256279-T-C.
Other names: short protein forms E339G.
Identifiers: ClinVar variation 5027463 (VCV005027463.1).